The following is an entry in ClinVar:

ClinVar aggregate classification (germline): Conflicting classifications of pathogenicity. Review status: criteria provided, conflicting classifications (1 of 4 stars). 7 submissions from 7 submitters: Uncertain significance (1); Benign (2); Likely benign (3). 1 of the submissions does not count toward it. Last evaluated 2026-07-01.

Conditions:
SUCLG1-related disorder. Also called: SUCLG1-related condition.
Mitochondrial DNA depletion syndrome 9 (MTDPS9). Also called: SUCLG1-Related Mitochondrial DNA Depletion Syndrome, Encephalomyopathic Form with Methylmalonic Aciduria. Identifiers: Orphanet 17, MedGen C3151476, MONDO:0009504, OMIM 245400.

Allele frequency attached by ClinVar (database versions not stated): 1000 Genomes Project 30x 0.00031; 1000 Genomes Project 0.00040; gnomAD exomes 0.00117 and 0.00238; ExAC 0.00127; gnomAD 0.00149 and 0.00155; TOPMed 0.00165; ESP Exome Variant Server 0.00215.
gnomAD v4.1: 3,720 of 1,614,192 alleles (0.23%); highest among the groups gnomAD compares: Non-Finnish European, 0.28%; 8 homozygotes.

Submissions (7):

CeGaT Center for Human Genetics Tuebingen
Classification: Likely benign. Last evaluated: 2026-07-01. Review status: criteria provided, single submitter. Criteria: CeGaT Center For Human Genetics Tuebingen Variant Classification Criteria Version 2. Collection method: clinical testing. Allele origin: germline. Affected: yes. Observed: 8 variant alleles.
Comment: SUCLG1: BP4, BP7

Labcorp Genetics (formerly Invitae), Labcorp
Classification: Benign for Mitochondrial DNA depletion syndrome 9. Last evaluated: 2026-02-01. Review status: criteria provided, single submitter. Criteria: Invitae Variant Classification Sherloc (09022015). Collection method: clinical testing. Allele origin: germline.

PreventionGenetics, part of Exact Sciences
Classification: Likely benign for SUCLG1-related condition. Last evaluated: 2025-01-03. Review status: criteria provided, single submitter. Criteria: ACMG Guidelines, 2015. Collection method: clinical testing. Allele origin: germline.
Comment: This variant is classified as likely benign based on ACMG/AMP sequence variant interpretation guidelines (Richards et al. 2015 PMID: 25741868, with internal and published modifications).

Blueprint Genetics
Classification: Likely benign. Last evaluated: 2024-11-25. Review status: criteria provided, single submitter. Criteria: ACMG Guidelines, 2015. Collection method: clinical testing. Allele origin: germline.

Illumina Laboratory Services, Illumina
Classification: Uncertain significance for Mitochondrial DNA depletion syndrome 9. Last evaluated: 2018-01-13. Review status: criteria provided, single submitter. Criteria: ICSL Variant Classification Criteria 13 December 2019. Collection method: clinical testing. Allele origin: germline.

GeneDx
Classification: Benign. Last evaluated: 2014-09-05. Review status: criteria provided, single submitter. Criteria: GeneDx Variant Classification (06012015). Collection method: clinical testing. Allele origin: germline. Affected: yes.
Comment: This variant is considered likely benign or benign based on one or more of the following criteria: it is a conservative change, it occurs at a poorly conserved position in the protein, it is predicted to be benign by multiple in silico algorithms, and/or has population frequency not consistent with disease.

Mayo Clinic Laboratories, Mayo Clinic
Classification: Likely benign. Last evaluated: 2017-12-29. Review status: no assertion criteria provided. Collection method: clinical testing. Allele origin: unknown. Not counted in ClinVar's aggregate classification.

NM_003849.4(SUCLG1):c.900C>T (p.Ala300=)

Gene: SUCLG1 (succinate-CoA ligase GDP/ADP-forming subunit alpha; minus strand). Cytogenetic location: 2p11.2.
Variant type: single nucleotide variant.
Coding change: c.900C>T on transcript NM_003849.4 (MANE Select); coding-DNA position 900, C replaced by T.
Protein change: p.Ala300=; no amino-acid change (alanine 300 retained).
Molecular consequence: synonymous variant.
Genome position (GRCh38, 1-based): chr2:84,425,529, G>A on the plus strand (C>T on the coding strand, the complement: SUCLG1 is on the minus strand). VCF-style: chr2-84425529-G-A. GRCh37 (hg19) VCF-style: chr2-84652653-G-A.
Other names: p.A300A:GCC>GCT.
Identifiers: ClinVar variation 203967 (VCV000203967.45), dbSNP rs113840224, ClinGen allele CA313042.
Genomic context (GRCh38, chr2:84,425,529, plus strand): 5'-ACTCTGAAGGGCAGAGATCTTCTCTTTAGCTCCACCTTTTCCTCCAGCAATAATTGCCCC[G>A]GCATGACCCATTCTTCTCCCAGGAGGAGCAGTTAAACCAGCAATGAAGGACACTACAGGC-3'
Protein context (NP_003840.2, residues 290-310): TAPPGRRMGH[Ala300=]GAIIAGGKGG